The following is an entry in ClinVar:

ClinVar aggregate classification (germline): Uncertain significance (1 of 4 stars; one submission).

Conditions:
Myofibrillar myopathy 6. Identifiers: Orphanet 199340, MedGen C2751831, MONDO:0013061, OMIM 612954.
Dilated cardiomyopathy 1HH (CMD1HH). Identifiers: Orphanet 154, MedGen C3151293, MONDO:0013479, OMIM 613881.

Allele frequency attached by ClinVar (database versions not stated): gnomAD exomes below 0.00001; gnomAD 0.00002; TOPMed 0.00003.
gnomAD v4.1: 4 of 1,613,902 alleles (0.00025%); highest among the groups gnomAD compares: African/African-American, 0.004%; no homozygotes.

Submission:

Labcorp Genetics (formerly Invitae), Labcorp
Classification: Uncertain significance for Dilated cardiomyopathy 1HH; Myofibrillar myopathy 6. Last evaluated: 2025-09-17. Review status: criteria provided, single submitter. Criteria: Invitae Variant Classification Sherloc (09022015). Collection method: clinical testing. Allele origin: germline.
Comment: This sequence change replaces lysine, which is basic and polar, with arginine, which is basic and polar, at codon 388 of the BAG3 protein (p.Lys388Arg). This variant is not present in population databases (gnomAD no frequency). This variant has not been reported in the literature in individuals affected with BAG3-related conditions. ClinVar contains an entry for this variant (Variation ID: 1427187). Invitae Evidence Modeling of protein sequence and biophysical properties (such as structural, functional, and spatial information, amino acid conservation, physicochemical variation, residue mobility, and thermodynamic stability) indicates that this missense variant is not expected to disrupt BAG3 protein function with a negative predictive value of 80%. Algorithms developed to predict the effect of sequence changes on RNA splicing suggest that this variant may create or strengthen a splice site. In summary, the available evidence is currently insufficient to determine the role of this variant in disease. Therefore, it has been classified as a Variant of Uncertain Significance.

NM_004281.4(BAG3):c.1163A>G (p.Lys388Arg)

Gene: BAG3 (BAG cochaperone 3; plus strand). Cytogenetic location: 10q26.11.
Variant type: single nucleotide variant.
Coding change: c.1163A>G on transcript NM_004281.4 (MANE Select); coding-DNA position 1163, A replaced by G.
Protein change: p.Lys388Arg; replaces lysine 388 with arginine.
Molecular consequence: missense variant.
Genome position (GRCh38, 1-based): chr10:119,676,717, A>G. VCF-style: chr10-119676717-A-G. GRCh37 (hg19) VCF-style: chr10-121436229-A-G.
Other names: short protein forms K388R.
Identifiers: ClinVar variation 1427187 (VCV001427187.6), dbSNP rs1405607704, ClinGen allele CA378296749.